The following is an entry in ClinVar:

ClinVar aggregate classification (germline): Uncertain significance (1 of 4 stars; one submission).

Conditions:
Inborn genetic diseases. Identifiers: MedGen C0950123, MeSH D030342.

Allele frequency attached by ClinVar (database versions not stated): ExAC 0.00001; gnomAD 0.00001; gnomAD exomes 0.00001; ESP Exome Variant Server 0.00008.

Submission:

Ambry Genetics
Classification: Uncertain significance for Inborn genetic diseases. Last evaluated: 2014-03-31. Review status: criteria provided, single submitter. Criteria: Ambry Autosomal Dominant and X-Linked criteria (10/2015). Collection method: clinical testing. Allele origin: germline. Observed: 1 variant allele.
Comment: There is insufficient or conflicting evidence for classification of this alteration.

NM_002472.3(MYH8):c.1264C>T (p.Gln422Ter)

Genes: MYH8 (myosin heavy chain 8; minus strand), MYHAS (myosin heavy chain gene cluster antisense RNA; plus strand). Cytogenetic location: 17p13.1.
Variant type: single nucleotide variant.
Coding change: c.1264C>T on transcript NM_002472.3 (MANE Select); coding-DNA position 1264, C replaced by T.
Protein change: p.Gln422Ter; replaces glutamine 422 with a stop codon.
Molecular consequence: nonsense.
Genome position (GRCh38, 1-based): chr17:10,412,612, G>A on the plus strand (C>T on the coding strand, the complement: MYH8 is on the minus strand). VCF-style: chr17-10412612-G-A. GRCh37 (hg19) VCF-style: chr17-10315929-G-A.
Other names: short protein forms Q422*.
Identifiers: ClinVar variation 225103 (VCV000225103.4), dbSNP rs371035884, ClinGen allele CA358112.